The following is an entry in ClinVar:

NM_000218.3(KCNQ1):c.1514+28197T>C

Genes: KCNQ1 (potassium voltage-gated channel subfamily Q member 1; plus strand), KCNQ1OT1 (KCNQ1 opposite strand/antisense transcript 1; minus strand). Cytogenetic location: 11p15.5.
Variant type: single nucleotide variant.
Coding change: c.1514+28197T>C on transcript NM_000218.3 (MANE Select); 28197 bases into the intron after coding-DNA position 1514, T replaced by C.
Molecular consequence: intron variant. On other transcripts: non-coding transcript variant (1).
Genome position (GRCh38, 1-based): chr11:2,690,278, T>C. VCF-style: chr11-2690278-T-C. GRCh37 (hg19) VCF-style: chr11-2711508-T-C.
Other names: c.1244+28197T>C (NM_001406837.1); c.1418+28197T>C (NM_001406836.1); c.974+28197T>C (NM_001406838.1); c.1133+28197T>C (NM_181798.2).
Identifiers: ClinVar variation 3257245 (VCV003257245.17).
Genomic context (GRCh38, chr11:2,690,278, plus strand): 5'-TGGTGACCTCAAGCAAGTCATTCCATGTGGCTGAGCTGCTCCTTGCTGCATCTGCACATA[T>C]GTGTAGTGTCTTCCTCCCTGTAGGATTGTCACAAGGATTAAATGATGTCAAGTCTGAGGC-3'

ClinVar aggregate classification (germline): Benign (1 of 4 stars; one submission).

gnomAD v4.1: 208 of 398,726 alleles (0.052%); highest among the groups gnomAD compares: Non-Finnish European, 0.064%; 1 homozygote.

Submission:

CeGaT Center for Human Genetics Tuebingen
Classification: Benign. Last evaluated: 2024-11-01. Review status: criteria provided, single submitter. Criteria: CeGaT Center For Human Genetics Tuebingen Variant Classification Criteria Version 2. Collection method: clinical testing. Allele origin: germline. Affected: yes. Observed: 2 variant alleles.
Comment: KCNQ1OT1: BS1, BS2